The following is an entry in ClinVar:

ClinVar aggregate classification (germline): Uncertain significance. Review status: criteria provided, multiple submitters, no conflicts (2 of 4 stars). 2 submissions from 2 submitters: Uncertain significance (2). Last evaluated 2025-09-11.

Conditions:
Legius syndrome. Identifiers: Orphanet 137605, MedGen C1969623, MONDO:0012669, OMIM 611431. Disease mechanism: loss of function.
Cardiovascular phenotype. Identifiers: MedGen CN230736.

Submissions (2):

Ambry Genetics
Classification: Uncertain significance for Cardiovascular phenotype. Last evaluated: 2025-09-11. Review status: criteria provided, single submitter. Criteria: Ambry Variant Classification Scheme 2023. Collection method: clinical testing. Allele origin: germline.
Comment: The p.S150Y variant (also known as c.449C>A), located in coding exon 5 of the SPRED1 gene, results from a C to A substitution at nucleotide position 449. The serine at codon 150 is replaced by tyrosine, an amino acid with dissimilar properties. This amino acid position is conserved. In addition, this alteration is predicted to be tolerated by in silico analysis. Based on the available evidence, the clinical significance of this variant remains unclear.

Labcorp Genetics (formerly Invitae), Labcorp
Classification: Uncertain significance for Legius syndrome. Last evaluated: 2023-04-06. Review status: criteria provided, single submitter. Criteria: Invitae Variant Classification Sherloc (09022015). Collection method: clinical testing. Allele origin: germline.
Comment: This sequence change replaces serine, which is neutral and polar, with tyrosine, which is neutral and polar, at codon 150 of the SPRED1 protein (p.Ser150Tyr). This variant is not present in population databases (gnomAD no frequency). This variant has not been reported in the literature in individuals affected with SPRED1-related conditions. Advanced modeling of protein sequence and biophysical properties (such as structural, functional, and spatial information, amino acid conservation, physicochemical variation, residue mobility, and thermodynamic stability) performed at Invitae indicates that this missense variant is not expected to disrupt SPRED1 protein function. In summary, the available evidence is currently insufficient to determine the role of this variant in disease. Therefore, it has been classified as a Variant of Uncertain Significance.

NM_152594.3(SPRED1):c.449C>A (p.Ser150Tyr)

Gene: SPRED1 (sprouty related EVH1 domain containing 1; plus strand). Cytogenetic location: 15q14.
Variant type: single nucleotide variant.
Coding change: c.449C>A on transcript NM_152594.3 (MANE Select); coding-DNA position 449, C replaced by A.
Protein change: p.Ser150Tyr; replaces serine 150 with tyrosine.
Molecular consequence: missense variant.
Genome position (GRCh38, 1-based): chr15:38,339,762, C>A. VCF-style: chr15-38339762-C-A. GRCh37 (hg19) VCF-style: chr15-38631963-C-A.
Other names: c.449C>A (NM_152594.2); short protein forms S150Y.
Identifiers: ClinVar variation 2852286 (VCV002852286.4), dbSNP rs1555392025, ClinGen allele CA391932458.
Genomic context (GRCh38, chr15:38,339,762, plus strand): 5'-CTGGCAACTAATGCATTGAGGGTTGTTCCCAATAGGCAAATGAAGAGGATTCTTCCAGTT[C>A]TCTAGTGAAGGATCACCTTTTTCAGCAAGAGACAGTTGTTACCAGTGAGCCTTATAGAAG-3'
Protein context (NP_689807.1, residues 140-160): LQANEEDSSS[Ser150Tyr]LVKDHLFQQE